The following is an entry in ClinVar:

ClinVar aggregate classification (germline): Pathogenic (1 of 4 stars; one submission).

Conditions:
Werner syndrome (WRN). Identifiers: Orphanet 902, MedGen C0043119, MONDO:0010196, OMIM 277700.

Allele frequency attached by ClinVar (database versions not stated): gnomAD exomes below 0.00001 and 0.00001; ExAC 0.00001.

Submission:

Labcorp Genetics (formerly Invitae), Labcorp
Classification: Pathogenic for Werner syndrome. Last evaluated: 2020-04-09. Review status: criteria provided, single submitter. Criteria: Invitae Variant Classification Sherloc (09022015). Collection method: clinical testing. Allele origin: germline.
Comment: This sequence change creates a premature translational stop signal (p.Glu308Thrfs*6) in the WRN gene. It is expected to result in an absent or disrupted protein product. This variant is present in population databases (rs746445847, ExAC 0.002%). This variant has not been reported in the literature in individuals with WRN-related conditions. Loss-of-function variants in WRN are known to be pathogenic (PMID: 16673358). For these reasons, this variant has been classified as Pathogenic.

Literature cited by the submitters: PubMed 16673358.

NM_000553.6(WRN):c.921_922del (p.Glu308fs)

Gene: WRN (WRN RecQ like helicase; plus strand). Cytogenetic location: 8p12.
Variant type: Deletion.
Coding change: c.921_922del on transcript NM_000553.6 (MANE Select); coding-DNA positions 921 to 922, 2 bases deleted (TG; older notation c.921_922delTG).
Protein change: p.Glu308fs; shifts the reading frame from glutamic acid 308.
Molecular consequence: frameshift variant.
Genome position (GRCh38, 1-based): chr8:31,080,948-31,080,949, TG deleted. VCF-style (leftmost placement, unchanged base first): chr8-31080947-CTG-C. GRCh37 (hg19) VCF-style: chr8-30938463-CTG-C.
Other names: short protein forms E308fs.
Identifiers: ClinVar variation 849560 (VCV000849560.6), dbSNP rs746445847, ClinGen allele CA4704224.